The following is an entry in ClinVar:

NM_000289.6(PFKM):c.1262C>T (p.Ser421Phe)

Gene: PFKM (phosphofructokinase, muscle; plus strand). Cytogenetic location: 12q13.11.
Variant type: single nucleotide variant.
Coding change: c.1262C>T on transcript NM_000289.6 (MANE Select); coding-DNA position 1262, C replaced by T.
Protein change: p.Ser421Phe; replaces serine 421 with phenylalanine.
Molecular consequence: missense variant. On other transcripts: non-coding transcript variant (6).
Genome position (GRCh38, 1-based): chr12:48,140,792, C>T. VCF-style: chr12-48140792-C-T. GRCh37 (hg19) VCF-style: chr12-48534575-C-T.
Other names: c.1475C>T, p.Ser492Phe (NM_001166686.2, NM_001354737.1, NM_001354738.1 and 1 more transcripts); c.1262C>T, p.Ser421Phe (NM_001166687.2, NM_001166688.2, NM_001354742.2 and 2 more transcripts); c.1571C>T, p.Ser524Phe (NM_001354735.1, NM_001354736.1); c.1406C>T, p.Ser469Phe (NM_001354740.1); c.1286C>T, p.Ser429Phe (NM_001354741.2); c.1175C>T, p.Ser392Phe (NM_001354745.2); c.1136C>T, p.Ser379Phe (NM_001354746.2); c.1112C>T, p.Ser371Phe (NM_001354747.2, NM_001354748.2); and 1 more; short protein forms S371F, S379F, S390F, S392F, S421F, S429F, S469F, S492F.
Identifiers: ClinVar variation 1675490 (VCV001675490.33), dbSNP rs754310566, ClinGen allele CA6537296.

ClinVar aggregate classification (germline): Uncertain significance (1 of 4 stars; one submission).

gnomAD v4.1: 2 of 1,614,204 alleles (0.00012%); highest among the groups gnomAD compares: Non-Finnish European, 0.00017%; no homozygotes.

Submission:

CeGaT Center for Human Genetics Tuebingen
Classification: Uncertain significance. Last evaluated: 2022-04-01. Review status: criteria provided, single submitter. Criteria: CeGaT Center For Human Genetics Tuebingen Variant Classification Criteria Version 2. Collection method: clinical testing. Allele origin: germline. Affected: yes. Observed: 1 variant allele.
Comment: PFKM: PM2, PP3, PP4